The following is an entry in ClinVar:

ClinVar aggregate classification (germline): Pathogenic (1 of 4 stars; one submission).

gnomAD v4.1: 2 of 1,610,124 alleles (0.00012%); highest among the groups gnomAD compares: Non-Finnish European, 0.00017%; no homozygotes.

Submission:

Labcorp Genetics (formerly Invitae), Labcorp
Classification: Pathogenic. Last evaluated: 2023-10-05. Review status: criteria provided, single submitter. Criteria: Invitae Variant Classification Sherloc (09022015). Collection method: clinical testing. Allele origin: germline.
Comment: This sequence change creates a premature translational stop signal (p.Leu2325*) in the PCNT gene. It is expected to result in an absent or disrupted protein product. Loss-of-function variants in PCNT are known to be pathogenic (PMID: 18174396, 22821869). This variant is not present in population databases (gnomAD no frequency). This variant has not been reported in the literature in individuals affected with PCNT-related conditions. For these reasons, this variant has been classified as Pathogenic.

Literature cited by the submitters: PubMed 18174396; PubMed 22821869.

NM_006031.6(PCNT):c.6974T>G (p.Leu2325Ter)

Gene: PCNT (pericentrin; plus strand). Cytogenetic location: 21q22.3.
Variant type: single nucleotide variant.
Coding change: c.6974T>G on transcript NM_006031.6 (MANE Select); coding-DNA position 6974, T replaced by G.
Protein change: p.Leu2325Ter; replaces leucine 2325 with a stop codon.
Molecular consequence: nonsense.
Genome position (GRCh38, 1-based): chr21:46,418,256, T>G. VCF-style: chr21-46418256-T-G. GRCh37 (hg19) VCF-style: chr21-47838170-T-G.
Other names: c.6620T>G, p.Leu2207Ter (NM_001315529.2); short protein forms L2207*, L2325*.
Identifiers: ClinVar variation 2878986 (VCV002878986.1), dbSNP rs2518847511, ClinGen allele CA410566204.